The following is an entry in ClinVar:

ClinVar aggregate classification (germline): Likely benign. Review status: criteria provided, single submitter (1 of 4 stars). 2 submissions from 2 submitters: Likely benign (1). 1 of the submissions does not count toward it. Last evaluated 2026-01-28.

Conditions:
CACNA2D2-related disorder. Also called: CACNA2D2-related condition.
Early-infantile DEE. Also called: Ohtahara syndrome; Early infantile epileptic encephalopathy with suppression bursts; Early infantile epileptic encephalopathy. Identifiers: Orphanet 1934, MedGen C0393706, MONDO:0800491.

Allele frequency attached by ClinVar (database versions not stated): gnomAD 0.00013 and 0.00016; TOPMed 0.00018; ESP Exome Variant Server 0.00023; gnomAD exomes 0.00045; 1000 Genomes Project 0.00100; 1000 Genomes Project 30x 0.00109.
gnomAD v4.1: 284 of 1,599,126 alleles (0.018%); highest among the groups gnomAD compares: East Asian, 0.23%; no homozygotes.

Submissions (2):

Labcorp Genetics (formerly Invitae), Labcorp
Classification: Likely benign for Early-infantile DEE. Last evaluated: 2026-01-28. Review status: criteria provided, single submitter. Criteria: Invitae Variant Classification Sherloc (09022015). Collection method: clinical testing. Allele origin: germline.

PreventionGenetics, part of Exact Sciences
Classification: Likely benign for CACNA2D2-related condition. Last evaluated: 2022-03-15. Review status: no assertion criteria provided. Collection method: clinical testing. Allele origin: germline. Not counted in ClinVar's aggregate classification.
Comment: This variant is classified as likely benign based on ACMG/AMP sequence variant interpretation guidelines (Richards et al. 2015 PMID: 25741868, with internal and published modifications).

NM_006030.4(CACNA2D2):c.284G>A (p.Arg95His)

Gene: CACNA2D2 (calcium voltage-gated channel auxiliary subunit alpha2delta 2; minus strand). Cytogenetic location: 3p21.31.
Variant type: single nucleotide variant.
Coding change: c.284G>A on transcript NM_006030.4 (MANE Select); coding-DNA position 284, G replaced by A.
Protein change: p.Arg95His; replaces arginine 95 with histidine.
Molecular consequence: missense variant.
Genome position (GRCh38, 1-based): chr3:50,476,122, C>T on the plus strand (G>A on the coding strand, the complement: CACNA2D2 is on the minus strand). VCF-style: chr3-50476122-C-T. GRCh37 (hg19) VCF-style: chr3-50513553-C-T.
Other names: c.284G>A, p.Arg95His (NM_001005505.3, NM_001174051.3); c.77G>A, p.Arg26His (NM_001291101.1); short protein forms R95H, R26H.
Identifiers: ClinVar variation 416536 (VCV000416536.14), dbSNP rs149979955, ClinGen allele CA2419274.